The following is an entry in ClinVar:

NM_003500.4(ACOX2):c.432C>T (p.Asn144=)

Gene: ACOX2 (acyl-CoA oxidase 2; minus strand). Cytogenetic location: 3p14.3.
Variant type: single nucleotide variant.
Coding change: c.432C>T on transcript NM_003500.4 (MANE Select); coding-DNA position 432, C replaced by T.
Protein change: p.Asn144=; no amino-acid change (asparagine 144 retained).
Molecular consequence: synonymous variant.
Genome position (GRCh38, 1-based): chr3:58,534,037, G>A on the plus strand (C>T on the coding strand, the complement: ACOX2 is on the minus strand). VCF-style: chr3-58534037-G-A. GRCh37 (hg19) VCF-style: chr3-58519764-G-A.
Identifiers: ClinVar variation 3054777 (VCV003054777.2), dbSNP rs144110956, ClinGen allele CA2472416.
Genomic context (GRCh38, chr3:58,534,037, plus strand): 5'-CAGCAGTCCTAGCTCACCATGTCCCAACTCTGTCTGTGCATACGTTGCGATGATCTGGAT[G>A]TTTTTGCAGAGTGGGTCCCATTTGGCAATCTGCTCCTCTGAGCCCAGGCTCCTGAGGGCT-3'
Protein context (NP_003491.1, residues 134-154): QIAKWDPLCK[Asn144=]IQIIATYAQT

ClinVar aggregate classification (germline): Likely benign (0 of 4 stars; one submission).

Conditions:
ACOX2-related disorder. Also called: ACOX2-related condition.

Allele frequency attached by ClinVar (database versions not stated): gnomAD exomes 0.00004; TOPMed 0.00005; ExAC 0.00007; gnomAD 0.00007; ESP Exome Variant Server 0.00008.
gnomAD v4.1: 74 of 1,614,084 alleles (0.0046%); highest among the groups gnomAD compares: Non-Finnish European, 0.0045%; no homozygotes.

Submission:

PreventionGenetics, part of Exact Sciences
Classification: Likely benign for ACOX2-related condition. Last evaluated: 2022-03-01. Review status: no assertion criteria provided. Collection method: clinical testing. Allele origin: germline.
Comment: This variant is classified as likely benign based on ACMG/AMP sequence variant interpretation guidelines (Richards et al. 2015 PMID: 25741868, with internal and published modifications).